The following is an entry in ClinVar:

NM_006060.6(IKZF1):c.1338G>A (p.Gln446=)

Gene: IKZF1 (IKAROS family zinc finger 1; plus strand). Cytogenetic location: 7p12.2.
Variant type: single nucleotide variant.
Coding change: c.1338G>A on transcript NM_006060.6 (MANE Select); coding-DNA position 1338, G replaced by A.
Protein change: p.Gln446=; no amino-acid change (glutamine 446 retained).
Molecular consequence: synonymous variant.
Genome position (GRCh38, 1-based): chr7:50,400,405, G>A. VCF-style: chr7-50400405-G-A. GRCh37 (hg19) VCF-style: chr7-50468103-G-A.
Other names: c.1212G>A, p.Gln404= (NM_001220765.3, NM_001291837.2); c.1047G>A, p.Gln349= (NM_001220767.2); c.1077G>A, p.Gln359= (NM_001220768.2, NM_001291838.2); c.921G>A, p.Gln307= (NM_001220770.2); c.909G>A, p.Gln303= (NM_001220771.2, NM_001291841.1); c.951G>A, p.Gln317= (NM_001291839.2); c.648G>A, p.Gln216= (NM_001291840.1); c.879G>A, p.Gln293= (NM_001291842.1); and 3 more.
Identifiers: ClinVar variation 2062044 (VCV002062044.4), dbSNP rs764409377, ClinGen allele CA4261495.

ClinVar aggregate classification (germline): Uncertain significance (1 of 4 stars; one submission).

Allele frequency attached by ClinVar (database versions not stated): gnomAD exomes below 0.00001; ExAC 0.00001; gnomAD 0.00001; TOPMed 0.00001.
gnomAD v4.1: 3 of 1,613,572 alleles (0.00019%); highest among the groups gnomAD compares: African/African-American, 0.0013%; no homozygotes.

Submission:

Labcorp Genetics (formerly Invitae), Labcorp
Classification: Uncertain significance. Last evaluated: 2022-11-20. Review status: criteria provided, single submitter. Criteria: Invitae Variant Classification Sherloc (09022015). Collection method: clinical testing. Allele origin: germline.
Comment: In summary, the available evidence is currently insufficient to determine the role of this variant in disease. Therefore, it has been classified as a Variant of Uncertain Significance. Experimental studies and prediction algorithms are not available or were not evaluated, and the effect of this variant on mRNA splicing is currently unknown. This variant has not been reported in the literature in individuals affected with IKZF1-related conditions. This variant is present in population databases (rs764409377, gnomAD 0.01%). This sequence change affects codon 446 of the IKZF1 mRNA. It is a 'silent' change, meaning that it does not change the encoded amino acid sequence of the IKZF1 protein.